The following is an entry in ClinVar:

NM_032830.3(UTP4):c.352-4A>G

Gene: UTP4 (UTP4 small subunit processome component). Cytogenetic location: 16q22.1.
Variant type: single nucleotide variant.
Coding change: c.352-4A>G on transcript NM_032830.3 (MANE Select); 4 bases into the intron before coding-DNA position 352, A replaced by G.
Molecular consequence: intron variant.
Genome position (GRCh38, 1-based): chr16:69,137,797, A>G. VCF-style: chr16-69137797-A-G. GRCh37 (hg19) VCF-style: chr16-69171700-A-G.
Other names: c.103-4A>G (NM_001318391.2).
Identifiers: ClinVar variation 5001595 (VCV005001595.1).

ClinVar aggregate classification (germline): Uncertain significance (1 of 4 stars; one submission).

Conditions:
UTP4-related disorder. Also called: UTP4-related condition.

gnomAD v4.1: 4 of 1,588,158 alleles (0.00025%); highest among the groups gnomAD compares: Middle Eastern, 0.017%; no homozygotes.

Submission:

PreventionGenetics, part of Exact Sciences
Classification: Uncertain significance for UTP4-related condition. Last evaluated: 2025-05-23. Review status: criteria provided, single submitter. Criteria: ACMG Guidelines, 2015. Collection method: clinical testing. Allele origin: germline.
Comment: The UTP4 c.352-4A>G variant is predicted to interfere with splicing. This variant is predicted to impact splicing based on a computational prediction program; however, the impact of this variant has not been functionally validated (SpliceAI, Jaganathan et al. 2019. PubMed ID: 30661751). To our knowledge, this variant has not been reported in the literature. This variant is reported in 0.0062% of alleles in individuals of African descent in gnomAD. At this time, the clinical significance of this variant is uncertain due to the absence of conclusive functional and genetic evidence.